The following is an entry in ClinVar:

NM_002299.4(LCT):c.992C>T (p.Ser331Phe)

Genes: LCT (lactase; minus strand), LOC126806353 (BRD4-independent group 4 enhancer GRCh37_chr2:136574960-136576159; plus strand). Cytogenetic location: 2q21.3.
Variant type: single nucleotide variant.
Coding change: c.992C>T on transcript NM_002299.4 (MANE Select); coding-DNA position 992, C replaced by T.
Protein change: p.Ser331Phe; replaces serine 331 with phenylalanine.
Molecular consequence: missense variant.
Genome position (GRCh38, 1-based): chr2:135,818,056, G>A on the plus strand (C>T on the coding strand, the complement: LCT is on the minus strand). VCF-style: chr2-135818056-G-A. GRCh37 (hg19) VCF-style: chr2-136575626-G-A.
Other names: short protein forms S331F.
Identifiers: ClinVar variation 3643473 (VCV003643473.2).

ClinVar aggregate classification (germline): Uncertain significance (1 of 4 stars; one submission).

gnomAD v4.1: 2 of 1,613,332 alleles (0.00012%); highest among the groups gnomAD compares: Middle Eastern, 0.033%; no homozygotes.

Submission:

Labcorp Genetics (formerly Invitae), Labcorp
Classification: Uncertain significance. Last evaluated: 2024-02-27. Review status: criteria provided, single submitter. Criteria: Invitae Variant Classification Sherloc (09022015). Collection method: clinical testing. Allele origin: germline.
Comment: This sequence change replaces serine, which is neutral and polar, with phenylalanine, which is neutral and non-polar, at codon 331 of the LCT protein (p.Ser331Phe). This variant is not present in population databases (gnomAD no frequency). This variant has not been reported in the literature in individuals affected with LCT-related conditions. An algorithm developed to predict the effect of missense changes on protein structure and function (PolyPhen-2) suggests that this variant is likely to be tolerated. In summary, the available evidence is currently insufficient to determine the role of this variant in disease. Therefore, it has been classified as a Variant of Uncertain Significance.